The following is an entry in ClinVar:

ClinVar aggregate classification (germline): Uncertain significance. Review status: criteria provided, multiple submitters, no conflicts (2 of 4 stars). 3 submissions from 3 submitters: Uncertain significance (3). Last evaluated 2025-10-24.

Conditions:
Niemann-Pick disease, type C1. Also called: NEUROVISCERAL STORAGE DISEASE WITH VERTICAL SUPRANUCLEAR OPHTHALMOPLEGIA; NIEMANN-PICK DISEASE WITH CHOLESTEROL ESTERIFICATION BLOCK; NIEMANN-PICK DISEASE WITHOUT SPHINGOMYELINASE DEFICIENCY; NIEMANN-PICK DISEASE, CHRONIC NEURONOPATHIC FORM; NIEMANN-PICK DISEASE, VARIANT TYPE C1. Identifiers: Orphanet 646, MedGen C3179455, MONDO:0009757, OMIM 257220.
Inborn genetic diseases. Identifiers: MedGen C0950123, MeSH D030342.

Allele frequency attached by ClinVar (database versions not stated): ExAC 0.00002; gnomAD 0.00003; TOPMed 0.00006; gnomAD exomes 0.00008.
gnomAD v4.1: 115 of 1,614,014 alleles (0.0071%); highest among the groups gnomAD compares: Non-Finnish European, 0.0092%; no homozygotes.

Submissions (3):

Ambry Genetics
Classification: Uncertain significance for Inborn genetic diseases. Last evaluated: 2025-10-24. Review status: criteria provided, single submitter. Criteria: Ambry Variant Classification Scheme 2023. Collection method: clinical testing. Allele origin: germline.

CeGaT Center for Human Genetics Tuebingen
Classification: Uncertain significance. Last evaluated: 2022-08-01. Review status: criteria provided, single submitter. Criteria: CeGaT Center For Human Genetics Tuebingen Variant Classification Criteria Version 2. Collection method: clinical testing. Allele origin: germline. Affected: yes. Observed: 1 variant allele.
Comment: NPC1: PM2, BP4

Labcorp Genetics (formerly Invitae), Labcorp
Classification: Uncertain significance for Niemann-Pick disease, type C1. Last evaluated: 2022-04-08. Review status: criteria provided, single submitter. Criteria: Invitae Variant Classification Sherloc (09022015). Collection method: clinical testing. Allele origin: germline.
Comment: This sequence change replaces isoleucine, which is neutral and non-polar, with valine, which is neutral and non-polar, at codon 1242 of the NPC1 protein (p.Ile1242Val). This variant is present in population databases (rs771501879, gnomAD 0.005%). This variant has not been reported in the literature in individuals affected with NPC1-related conditions. Advanced modeling of protein sequence and biophysical properties (such as structural, functional, and spatial information, amino acid conservation, physicochemical variation, residue mobility, and thermodynamic stability) performed at Invitae indicates that this missense variant is not expected to disrupt NPC1 protein function. In summary, the available evidence is currently insufficient to determine the role of this variant in disease. Therefore, it has been classified as a Variant of Uncertain Significance.

NM_000271.5(NPC1):c.3724A>G (p.Ile1242Val)

Gene: NPC1 (NPC intracellular cholesterol transporter 1; minus strand). Cytogenetic location: 18q11.2.
Variant type: single nucleotide variant.
Coding change: c.3724A>G on transcript NM_000271.5 (MANE Select); coding-DNA position 3724, A replaced by G.
Protein change: p.Ile1242Val; replaces isoleucine 1242 with valine.
Molecular consequence: missense variant.
Genome position (GRCh38, 1-based): chr18:23,533,385, T>C on the plus strand (A>G on the coding strand, the complement: NPC1 is on the minus strand). VCF-style: chr18-23533385-T-C. GRCh37 (hg19) VCF-style: chr18-21113349-T-C.
Other names: c.3724A>G (NM_000271.4); short protein forms I1242V.
Identifiers: ClinVar variation 1711451 (VCV001711451.34), dbSNP rs771501879, ClinGen allele CA8912677.